The following is an entry in ClinVar:

ClinVar aggregate classification (germline): Pathogenic (1 of 4 stars; one submission).

Conditions:
Sulfite oxidase deficiency due to molybdenum cofactor deficiency type C. Also called: Molybdenum cofactor deficiency, complementation group C; Molybdenum cofactor deficiency C. Identifiers: Orphanet 308400, Orphanet 833, MedGen C1854990, MONDO:0014212, OMIM 615501.

Submission:

Labcorp Genetics (formerly Invitae), Labcorp
Classification: Pathogenic for Sulfite oxidase deficiency due to molybdenum cofactor deficiency type C. Last evaluated: 2023-02-24. Review status: criteria provided, single submitter. Criteria: Invitae Variant Classification Sherloc (09022015). Collection method: clinical testing. Allele origin: unknown.
Comment: This variant is a gross deletion of the genomic region encompassing exon(s) 3-12 of the GPHN gene. This deletion is out-of-frame, and is expected to create a premature termination codon and result in an absent or disrupted protein product. Loss-of-function variants in GPHN are known to be pathogenic (PMID: 11095995, 23184456, 23393157). A similar copy number variant has been observed in individual(s) with clinical features of GPHN-related conditions (PMID: 23393157). For these reasons, this variant has been classified as Pathogenic.

Literature cited by the submitters: PubMed 11095995; PubMed 23184456; PubMed 23393157.

NC_000014.8:g.(?_67243162)_(67555812_?)del

Gene: GPHN (gephyrin; plus strand). Cytogenetic location: 14q23.3.
Variant type: Deletion.
Identifiers: ClinVar variation 3243992 (VCV003243992.1).